The following is an entry in ClinVar:

ClinVar aggregate classification (germline): Uncertain significance (1 of 4 stars; one submission).

Allele frequency attached by ClinVar (database versions not stated): gnomAD exomes below 0.00001; gnomAD 0.00001.
gnomAD v4.1: 6 of 1,572,390 alleles (0.00038%); highest among the groups gnomAD compares: South Asian, 0.0012%; no homozygotes.

Submission:

Labcorp Genetics (formerly Invitae), Labcorp
Classification: Uncertain significance. Last evaluated: 2022-02-20. Review status: criteria provided, single submitter. Criteria: Invitae Variant Classification Sherloc (09022015). Collection method: clinical testing. Allele origin: germline.
Comment: The frequency data for this variant in the population databases is considered unreliable, as metrics indicate poor data quality at this position in the gnomAD database. This sequence change replaces arginine, which is basic and polar, with glutamine, which is neutral and polar, at codon 37 of the UBA5 protein (p.Arg37Gln). In summary, the available evidence is currently insufficient to determine the role of this variant in disease. Therefore, it has been classified as a Variant of Uncertain Significance. Algorithms developed to predict the effect of missense changes on protein structure and function are either unavailable or do not agree on the potential impact of this missense change (SIFT: "Not Available"; PolyPhen-2: "Benign"; Align-GVGD: "Not Available"). This variant has not been reported in the literature in individuals affected with UBA5-related conditions.

NM_024818.6(UBA5):c.110G>A (p.Arg37Gln)

Genes: NPHP3-ACAD11 (NPHP3-ACAD11 readthrough (NMD candidate); minus strand), UBA5 (ubiquitin like modifier activating enzyme 5; plus strand), LOC129937585 (ATAC-STARR-seq lymphoblastoid active region 20539; plus strand). Cytogenetic location: 3q22.1.
Variant type: single nucleotide variant.
Coding change: c.110G>A on transcript NM_024818.6 (MANE Select); coding-DNA position 110, G replaced by A.
Protein change: p.Arg37Gln; replaces arginine 37 with glutamine.
Molecular consequence: missense variant. On other transcripts: 5 prime UTR variant (3), intron variant (1).
Genome position (GRCh38, 1-based): chr3:132,660,647, G>A. VCF-style: chr3-132660647-G-A. GRCh37 (hg19) VCF-style: chr3-132379491-G-A.
Other names: c.-409G>A (NM_001320210.2); c.-375G>A (NM_001321238.2); c.-91G>A (NM_001321239.1); c.-7-5176G>A (NM_198329.4); short protein forms R37Q.
Identifiers: ClinVar variation 1896484 (VCV001896484.3), dbSNP rs1183094645, ClinGen allele CA354572248.
Genomic context (GRCh38, chr3:132,660,647, plus strand): 5'-GGGAACTTGCCCAGGAGAGGAGTCTGCAGGTCCCGAGGAGCGGCGACGGAGGGGGCGGCC[G>A]GGTCCGCATCGAGAAGATGAGCTCAGAGGTGGTGGATTCGAATCCCTACAGGTAACCTGC-3'
Protein context (NP_079094.1, residues 27-47): VPRSGDGGGG[Arg37Gln]VRIEKMSSEV